The following is an entry in ClinVar:

ClinVar aggregate classification (germline): Conflicting classifications of pathogenicity. Review status: criteria provided, conflicting classifications (1 of 4 stars). 3 submissions from 3 submitters: Likely pathogenic (1); Uncertain significance (1). 1 of the submissions does not count toward it. Last evaluated 2024-10-18.

Conditions:
Polyps, multiple and recurrent inflammatory fibroid, gastrointestinal. Identifiers: MedGen C5193005, MONDO:0008285, OMIM 175510.
Hereditary cancer-predisposing syndrome. Also called: Neoplastic Syndromes, Hereditary; Tumor predisposition; Hereditary neoplastic syndrome; Hereditary Cancer Syndrome. Identifiers: Orphanet 140162, MedGen C0027672, MeSH D009386, MONDO:0015356.
Gastrointestinal stromal tumor. Also called: Gastrointestinal stromal tumor, somatic; Gastrointestinal stroma tumor. Identifiers: Orphanet 44890, MedGen C0238198, MeSH D046152, MONDO:0011719, OMIM 606764, HP:0100723.

Submissions (3):

Ambry Genetics
Classification: Likely pathogenic for Hereditary cancer-predisposing syndrome. Last evaluated: 2024-10-18. Review status: criteria provided, single submitter. Criteria: Ambry Variant Classification Scheme 2023. Collection method: clinical testing. Allele origin: germline.
Comment: The p.D846Y variant (also known as c.2536G>T), located in coding exon 17 of the PDGFRA gene, results from a G to T substitution at nucleotide position 2536. The aspartic acid at codon 846 is replaced by tyrosine, an amino acid with highly dissimilar properties. This variant was identified in one or more individuals with features consistent with PDGFRA-associated disease and segregated with disease in at least one family (external communication; Chompret A et al. Gastroenterology, 2004 Jan;126:318-21). This amino acid position is highly conserved in available vertebrate species. In addition, this alteration is predicted to be deleterious by in silico analysis. This variant is considered to be rare based on population cohorts in the Genome Aggregation Database (gnomAD). Based on the majority of available evidence to date, this variant is likely to be pathogenic.

Labcorp Genetics (formerly Invitae), Labcorp
Classification: Uncertain significance for Gastrointestinal stromal tumor. Last evaluated: 2024-07-08. Review status: criteria provided, single submitter. Criteria: Invitae Variant Classification Sherloc (09022015). Collection method: clinical testing. Allele origin: germline.
Comment: This sequence change replaces aspartic acid, which is acidic and polar, with tyrosine, which is neutral and polar, at codon 846 of the PDGFRA protein (p.Asp846Tyr). This variant is not present in population databases (gnomAD no frequency). This missense change has been observed in individual(s) with gastrointestinal stromal tumor (PMID: 14699510). It has also been observed to segregate with disease in related individuals. ClinVar contains an entry for this variant (Variation ID: 13551). Advanced modeling of protein sequence and biophysical properties (such as structural, functional, and spatial information, amino acid conservation, physicochemical variation, residue mobility, and thermodynamic stability) performed at Invitae indicates that this missense variant is expected to disrupt PDGFRA protein function with a positive predictive value of 80%. Experimental studies are conflicting or provide insufficient evidence to determine the effect of this variant on PDGFRA function (PMID: 22745105). In summary, the available evidence is currently insufficient to determine the role of this variant in disease. Therefore, it has been classified as a Variant of Uncertain Significance.

OMIM
Classification: Pathogenic for GIST-PLUS SYNDROME. Last evaluated: 2004-01-01. Review status: no assertion criteria provided. Collection method: literature only. Allele origin: germline. Not counted in ClinVar's aggregate classification.

Literature cited by the submitters: PubMed 14699510 (cited by 3 submitters); PubMed 22745105 (cited by Labcorp Genetics (formerly Invitae), Labcorp).

NM_006206.6(PDGFRA):c.2536G>T (p.Asp846Tyr)

Gene: PDGFRA (platelet derived growth factor receptor alpha; plus strand). Cytogenetic location: 4q12.
Variant type: single nucleotide variant.
Coding change: c.2536G>T on transcript NM_006206.6 (MANE Select); coding-DNA position 2536, G replaced by T.
Protein change: p.Asp846Tyr; replaces aspartic acid 846 with tyrosine.
Molecular consequence: missense variant.
Genome position (GRCh38, 1-based): chr4:54,285,937, G>T. VCF-style: chr4-54285937-G-T. GRCh37 (hg19) VCF-style: chr4-55152104-G-T.
Other names: c.2611G>T, p.Asp871Tyr (NM_001347828.2); c.2536G>T, p.Asp846Tyr (NM_001347829.2); c.2575G>T, p.Asp859Tyr (NM_001347830.2); short protein forms D846Y, D859Y, D871Y.
Identifiers: ClinVar variation 13551 (VCV000013551.12), dbSNP rs121908588, ClinGen allele CA123218.
Genomic context (GRCh38, chr4:54,285,937, plus strand): 5'-CTGGCACAAGGAAAAATTGTGAAGATCTGTGACTTTGGCCTGGCCAGAGACATCATGCAT[G>T]ATTCGAACTATGTGTCGAAAGGCAGTGTACGTCCTCACTTCCCTCACTGGTCAGGCTCAT-3'
Protein context (NP_006197.1, residues 836-856): DFGLARDIMH[Asp846Tyr]SNYVSKGSTF